The following is an entry in ClinVar:

ClinVar aggregate classification (germline): Uncertain significance (1 of 4 stars; one submission).

Submission:

Labcorp Genetics (formerly Invitae), Labcorp
Classification: Uncertain significance. Last evaluated: 2025-10-08. Review status: criteria provided, single submitter. Criteria: Invitae Variant Classification Sherloc (09022015). Collection method: clinical testing. Allele origin: germline.
Comment: This sequence change replaces threonine, which is neutral and polar, with serine, which is neutral and polar, at codon 1170 of the DISP1 protein (p.Thr1170Ser). This variant is not present in population databases (gnomAD no frequency). This variant has not been reported in the literature in individuals affected with DISP1-related conditions. An algorithm developed to predict the effect of missense changes on protein structure and function (PolyPhen-2) suggests that this variant is likely to be tolerated. In summary, the available evidence is currently insufficient to determine the role of this variant in disease. Therefore, it has been classified as a Variant of Uncertain Significance.

NM_001377229.1(DISP1):c.3508A>T (p.Thr1170Ser)

Gene: DISP1 (dispatched RND transporter family member 1; plus strand). Cytogenetic location: 1q41.
Variant type: single nucleotide variant.
Coding change: c.3508A>T on transcript NM_001377229.1 (MANE Select); coding-DNA position 3508, A replaced by T.
Protein change: p.Thr1170Ser; replaces threonine 1170 with serine.
Molecular consequence: missense variant.
Genome position (GRCh38, 1-based): chr1:223,004,905, A>T. VCF-style: chr1-223004905-A-T. GRCh37 (hg19) VCF-style: chr1-223178247-A-T.
Other names: c.2779A>T, p.Thr927Ser (NM_001350630.2); c.3508A>T, p.Thr1170Ser (NM_001369594.1, NM_001377228.1, NM_032890.5); short protein forms T1170S, T927S.
Identifiers: ClinVar variation 4727887 (VCV004727887.1).
Genomic context (GRCh38, chr1:223,004,905, plus strand): 5'-CAGTGCAGTGCCTTTTCCCATGCCTTGTCTACAAGTCCCAGTGACAAGGGACAAAGCAAA[A>T]CACATACCATAAATGCTTATCATTTAGATCCCAGGGGCCCAAAATCTGAACTGGAGCATG-3'
Protein context (NP_001364158.1, residues 1160-1180): TSPSDKGQSK[Thr1170Ser]HTINAYHLDP